The following is an entry in ClinVar:

NM_001244926.2(PRPF4):c.241C>T (p.Arg81Ter)

Gene: PRPF4 (pre-mRNA splicing tri-snRNP complex factor PRPF4; plus strand). Cytogenetic location: 9q32.
Variant type: single nucleotide variant.
Coding change: c.241C>T on transcript NM_001244926.2 (MANE Select); coding-DNA position 241, C replaced by T.
Protein change: p.Arg81Ter; replaces arginine 81 with a stop codon.
Molecular consequence: nonsense. On other transcripts: 5 prime UTR variant (2), non-coding transcript variant (2).
Genome position (GRCh38, 1-based): chr9:113,278,980, C>T. VCF-style: chr9-113278980-C-T. GRCh37 (hg19) VCF-style: chr9-116041260-C-T.
Other names: c.-525C>T (NM_001322266.2, NM_001322267.2); c.244C>T, p.Arg82Ter (NM_004697.5); short protein forms R81*, R82*.
Identifiers: ClinVar variation 3656497 (VCV003656497.2).

ClinVar aggregate classification (germline): Uncertain significance (1 of 4 stars; one submission).

Submission:

Labcorp Genetics (formerly Invitae), Labcorp
Classification: Uncertain significance. Last evaluated: 2024-06-13. Review status: criteria provided, single submitter. Criteria: Invitae Variant Classification Sherloc (09022015). Collection method: clinical testing. Allele origin: germline.
Comment: This sequence change creates a premature translational stop signal (p.Arg82*) in the PRPF4 gene. It is expected to result in an absent or disrupted protein product. However, the current clinical and genetic evidence is not sufficient to establish whether loss-of-function variants in PRPF4 cause disease. This variant is not present in population databases (gnomAD no frequency). This variant has not been reported in the literature in individuals affected with PRPF4-related conditions. In summary, the available evidence is currently insufficient to determine the role of this variant in disease. Therefore, it has been classified as a Variant of Uncertain Significance.